The following is an entry in ClinVar:

ClinVar aggregate classification (germline): Uncertain significance. Review status: criteria provided, multiple submitters, no conflicts (2 of 4 stars). 2 submissions from 2 submitters: Uncertain significance (2). Last evaluated 2022-10-31.

Conditions:
Diffuse cerebral and cerebellar atrophy - intractable seizures - progressive microcephaly syndrome. Also called: Microcephaly, progressive, with seizures and cerebral and cerebellar atrophy. Identifiers: Orphanet 404437, MedGen C4014239, MONDO:0014335, OMIM 615760.

Allele frequency attached by ClinVar (database versions not stated): ExAC 0.00001; gnomAD 0.00001; gnomAD exomes 0.00001 and 0.00002; TOPMed 0.00002.
gnomAD v4.1: 9 of 1,614,010 alleles (0.00056%); highest among the groups gnomAD compares: Admixed American, 0.015%; no homozygotes.

Submissions (2):

Labcorp Genetics (formerly Invitae), Labcorp
Classification: Uncertain significance for Diffuse cerebral and cerebellar atrophy - intractable seizures - progressive microcephaly syndrome. Last evaluated: 2022-10-31. Review status: criteria provided, single submitter. Criteria: Invitae Variant Classification Sherloc (09022015). Collection method: clinical testing. Allele origin: germline.
Comment: This sequence change replaces threonine, which is neutral and polar, with alanine, which is neutral and non-polar, at codon 423 of the QARS protein (p.Thr423Ala). This variant is present in population databases (rs746791896, gnomAD 0.01%). This variant has not been reported in the literature in individuals affected with QARS-related conditions. ClinVar contains an entry for this variant (Variation ID: 409239). Algorithms developed to predict the effect of missense changes on protein structure and function (SIFT, PolyPhen-2, Align-GVGD) all suggest that this variant is likely to be tolerated. Algorithms developed to predict the effect of sequence changes on RNA splicing suggest that this variant may create or strengthen a splice site. In summary, the available evidence is currently insufficient to determine the role of this variant in disease. Therefore, it has been classified as a Variant of Uncertain Significance.

Fulgent Genetics
Classification: Uncertain significance for Diffuse cerebral and cerebellar atrophy - intractable seizures - progressive microcephaly syndrome. Last evaluated: 2021-12-06. Review status: criteria provided, single submitter. Criteria: ACMG Guidelines, 2015. Collection method: clinical testing. Allele origin: unknown.

NM_005051.3(QARS1):c.1267A>G (p.Thr423Ala)

Gene: QARS1 (glutaminyl-tRNA synthetase 1; minus strand). Cytogenetic location: 3p21.31.
Variant type: single nucleotide variant.
Coding change: c.1267A>G on transcript NM_005051.3 (MANE Select); coding-DNA position 1267, A replaced by G.
Protein change: p.Thr423Ala; replaces threonine 423 with alanine.
Molecular consequence: missense variant. On other transcripts: non-coding transcript variant (1).
Genome position (GRCh38, 1-based): chr3:49,099,989, T>C on the plus strand (A>G on the coding strand, the complement: QARS1 is on the minus strand). VCF-style: chr3-49099989-T-C. GRCh37 (hg19) VCF-style: chr3-49137422-T-C.
Other names: c.1234A>G, p.Thr412Ala (NM_001272073.2); short protein forms T423A, T412A.
Identifiers: ClinVar variation 409239 (VCV000409239.6), dbSNP rs746791896, ClinGen allele CA2391833.
Genomic context (GRCh38, chr3:49,099,989, plus strand): 5'-AGCCCCACCACCCCACCCCATTCTACACCCACCATTTGTCCCCTGTGCGGTGGTGTGGTG[T>C]ATACTTGACTCGATAGGCTACAGGGTCCATCTTGCCATCCTCCATCACCAGCTTCATCCG-3'
Protein context (NP_005042.1, residues 413-433): MDPVAYRVKY[Thr423Ala]PHHRTGDKWC